The following is an entry in ClinVar:

ClinVar aggregate classification (germline): Uncertain significance (1 of 4 stars; one submission).

Submission:

CeGaT Center for Human Genetics Tuebingen
Classification: Uncertain significance. Last evaluated: 2023-01-01. Review status: criteria provided, single submitter. Criteria: CeGaT Center For Human Genetics Tuebingen Variant Classification Criteria Version 2. Collection method: clinical testing. Allele origin: germline. Affected: yes. Observed: 1 variant allele.
Comment: BCL11B: PM2, PP2

NM_138576.4(BCL11B):c.2662A>G (p.Ile888Val)

Gene: BCL11B (BCL11 transcription factor B; minus strand). Cytogenetic location: 14q32.2.
Variant type: single nucleotide variant.
Coding change: c.2662A>G on transcript NM_138576.4 (MANE Select); coding-DNA position 2662, A replaced by G.
Protein change: p.Ile888Val; replaces isoleucine 888 with valine.
Molecular consequence: missense variant.
Genome position (GRCh38, 1-based): chr14:99,174,174, T>C on the plus strand (A>G on the coding strand, the complement: BCL11B is on the minus strand). VCF-style: chr14-99174174-T-C. GRCh37 (hg19) VCF-style: chr14-99640511-T-C.
Other names: c.2659A>G, p.Ile887Val (NM_001282237.2); c.2446A>G, p.Ile816Val (NM_001282238.2); c.2449A>G, p.Ile817Val (NM_022898.3); short protein forms I816V, I817V, I887V, I888V.
Identifiers: ClinVar variation 2644501 (VCV002644501.24), dbSNP rs2503635109, ClinGen allele CA390932691.